The following is an entry in ClinVar:

ClinVar aggregate classification (germline): Uncertain significance (1 of 4 stars; one submission).

Submission:

GeneDx
Classification: Uncertain significance. Last evaluated: 2024-04-09. Review status: criteria provided, single submitter. Criteria: GeneDx Variant Classification Process June 2021. Collection method: clinical testing. Allele origin: germline. Affected: yes.
Comment: Not observed at significant frequency in large population cohorts (gnomAD); Nonsense variant predicted to result in protein truncation as the last 21 amino acids are lost, although loss-of-function variants have not been reported downstream of this position in the protein; Has not been previously published as pathogenic or benign to our knowledge

NM_004181.5(UCHL1):c.607G>T (p.Glu203Ter)

Gene: UCHL1 (ubiquitin C-terminal hydrolase L1; plus strand). Cytogenetic location: 4p13.
Variant type: single nucleotide variant.
Coding change: c.607G>T on transcript NM_004181.5 (MANE Select); coding-DNA position 607, G replaced by T.
Protein change: p.Glu203Ter; replaces glutamic acid 203 with a stop codon.
Molecular consequence: nonsense.
Genome position (GRCh38, 1-based): chr4:41,268,008, G>T. VCF-style: chr4-41268008-G-T. GRCh37 (hg19) VCF-style: chr4-41270025-G-T.
Other names: short protein forms E203*.
Identifiers: ClinVar variation 3371772 (VCV003371772.1).
Genomic context (GRCh38, chr4:41,268,008, plus strand): 5'-TCTTGCTGTTTGGATTTTAATGACATTTCTCCTTTCCAGGACGCTGCCAAGGTCTGCAGA[G>T]AATTCACCGAGCGTGAGCAAGGAGAAGTCCGCTTCTCTGCCGTGGCTCTCTGCAAGGCAG-3'